The following is an entry in ClinVar:

ClinVar aggregate classification (germline): Uncertain significance (1 of 4 stars; one submission).

Submission:

Labcorp Genetics (formerly Invitae), Labcorp
Classification: Uncertain significance. Last evaluated: 2022-03-08. Review status: criteria provided, single submitter. Criteria: Invitae Variant Classification Sherloc (09022015). Collection method: clinical testing. Allele origin: germline.
Comment: This sequence change replaces serine, which is neutral and polar, with phenylalanine, which is neutral and non-polar, at codon 1920 of the POLE protein (p.Ser1920Phe). In summary, the available evidence is currently insufficient to determine the role of this variant in disease. Therefore, it has been classified as a Variant of Uncertain Significance. Algorithms developed to predict the effect of missense changes on protein structure and function (SIFT, PolyPhen-2, Align-GVGD) all suggest that this variant is likely to be tolerated. ClinVar contains an entry for this variant (Variation ID: 947241). This variant has not been reported in the literature in individuals affected with POLE-related conditions. This variant is not present in population databases (gnomAD no frequency).

NM_006231.4(POLE):c.5759C>T (p.Ser1920Phe)

Gene: POLE (DNA polymerase epsilon, catalytic subunit; minus strand). Cytogenetic location: 12q24.33.
Variant type: single nucleotide variant.
Coding change: c.5759C>T on transcript NM_006231.4 (MANE Select); coding-DNA position 5759, C replaced by T.
Protein change: p.Ser1920Phe; replaces serine 1920 with phenylalanine.
Molecular consequence: missense variant.
Genome position (GRCh38, 1-based): chr12:132,635,944, G>A on the plus strand (C>T on the coding strand, the complement: POLE is on the minus strand). VCF-style: chr12-132635944-G-A. GRCh37 (hg19) VCF-style: chr12-133212530-G-A.
Other names: short protein forms S1920F.
Identifiers: ClinVar variation 947241 (VCV000947241.9), dbSNP rs2042023335, ClinGen allele CA387372952.